The following is an entry in ClinVar:

NM_207361.6(FREM2):c.1774G>T (p.Asp592Tyr)

Gene: FREM2 (FRAS1 related extracellular matrix 2; plus strand). Cytogenetic location: 13q13.3.
Variant type: single nucleotide variant.
Coding change: c.1774G>T on transcript NM_207361.6 (MANE Select); coding-DNA position 1774, G replaced by T.
Protein change: p.Asp592Tyr; replaces aspartic acid 592 with tyrosine.
Molecular consequence: missense variant.
Genome position (GRCh38, 1-based): chr13:38,689,118, G>T. VCF-style: chr13-38689118-G-T. GRCh37 (hg19) VCF-style: chr13-39263255-G-T.
Other names: short protein forms D592Y.
Identifiers: ClinVar variation 1445250 (VCV001445250.4), dbSNP rs368864300, ClinGen allele CA248287633.
Genomic context (GRCh38, chr13:38,689,118, plus strand): 5'-GCAGAGGGTGAAACAGTGCCCATCCTGCCCCTTTCCCTGAGTGCAACTGACATGGATTCA[G>T]ATGATTCTCTGCTGCTTTTTGTGCTGGAGTCACCCTTCTTAACTACGGGGCATCTGCTTC-3'
Protein context (NP_997244.4, residues 582-602): LSLSATDMDS[Asp592Tyr]DSLLLFVLES

ClinVar aggregate classification (germline): Uncertain significance. Review status: criteria provided, multiple submitters, no conflicts (2 of 4 stars). 2 submissions from 2 submitters: Uncertain significance (2). Last evaluated 2024-06-20.

Conditions:
Isolated cryptophthalmia. Also called: ANKYLOBLEPHARON, SIMPLE; Cryptophthalmos, unilateral or bilateral, isolated. Identifiers: Orphanet 91396, MedGen C1852453, MONDO:0007410, OMIM 123570.
Fraser syndrome 2 (FRASRS2). Identifiers: MedGen C4540036, MONDO:0054738, OMIM 617666.

Allele frequency attached by ClinVar (database versions not stated): gnomAD exomes below 0.00001.
gnomAD v4.1: 2 of 1,613,900 alleles (0.00012%); highest among the groups gnomAD compares: Admixed American, 0.0017%; no homozygotes.

Submissions (2):

Fulgent Genetics
Classification: Uncertain significance for Isolated cryptophthalmia; Fraser syndrome 2. Last evaluated: 2024-06-20. Review status: criteria provided, single submitter. Criteria: ACMG Guidelines, 2015. Collection method: clinical testing. Allele origin: germline.

Labcorp Genetics (formerly Invitae), Labcorp
Classification: Uncertain significance. Last evaluated: 2022-06-05. Review status: criteria provided, single submitter. Criteria: Invitae Variant Classification Sherloc (09022015). Collection method: clinical testing. Allele origin: germline.
Comment: This sequence change replaces aspartic acid, which is acidic and polar, with tyrosine, which is neutral and polar, at codon 592 of the FREM2 protein (p.Asp592Tyr). This variant is present in population databases (rs368864300, gnomAD 0.003%). This variant has not been reported in the literature in individuals affected with FREM2-related conditions. ClinVar contains an entry for this variant (Variation ID: 1445250). Algorithms developed to predict the effect of missense changes on protein structure and function are either unavailable or do not agree on the potential impact of this missense change (SIFT: "Deleterious"; PolyPhen-2: "Possibly Damaging"; Align-GVGD: "Class C0"). In summary, the available evidence is currently insufficient to determine the role of this variant in disease. Therefore, it has been classified as a Variant of Uncertain Significance.